The following is an entry in ClinVar:

NM_007373.4(SHOC2):c.1749A>C (p.Ter583Cys)

Gene: SHOC2 (SHOC2 leucine rich repeat scaffold protein; plus strand). Cytogenetic location: 10q25.2.
Variant type: single nucleotide variant.
Coding change: c.1749A>C on transcript NM_007373.4 (MANE Select); coding-DNA position 1749, A replaced by C.
Protein change: p.Ter583Cys.
Molecular consequence: stop lost. On other transcripts: non-coding transcript variant (1).
Genome position (GRCh38, 1-based): chr10:111,011,818, A>C. VCF-style: chr10-111011818-A-C. GRCh37 (hg19) VCF-style: chr10-112771576-A-C.
Other names: c.1611A>C, p.Ter537Cys (NM_001269039.3); c.1749A>C, p.Ter583Cys (NM_001324336.2, NM_001324337.2).
Identifiers: ClinVar variation 1923890 (VCV001923890.5), dbSNP rs2493966804, ClinGen allele CA378526858.

ClinVar aggregate classification (germline): Uncertain significance (1 of 4 stars; one submission).

Conditions:
RASopathy. Also called: rasopathies; Noonan spectrum disorder. Identifiers: Orphanet 536391, MedGen C5555857, MONDO:0021060.

Submission:

Labcorp Genetics (formerly Invitae), Labcorp
Classification: Uncertain significance for RASopathy. Last evaluated: 2022-10-07. Review status: criteria provided, single submitter. Criteria: Invitae Variant Classification Sherloc (09022015). Collection method: clinical testing. Allele origin: germline.
Comment: This sequence change disrupts the translational stop signal of the SHOC2 mRNA. It is expected to extend the length of the SHOC2 protein by 16 additional amino acid residues. This variant is not present in population databases (gnomAD no frequency). This variant has not been reported in the literature in individuals affected with SHOC2-related conditions. In summary, the available evidence is currently insufficient to determine the role of this variant in disease. Therefore, it has been classified as a Variant of Uncertain Significance.